The following is an entry in ClinVar:

NM_015102.5(NPHP4):c.1996G>A (p.Val666Met)

Gene: NPHP4 (nephrocystin 4; minus strand). Cytogenetic location: 1p36.31.
Variant type: single nucleotide variant.
Coding change: c.1996G>A on transcript NM_015102.5 (MANE Select); coding-DNA position 1996, G replaced by A.
Protein change: p.Val666Met; replaces valine 666 with methionine.
Molecular consequence: missense variant. On other transcripts: non-coding transcript variant (1).
Genome position (GRCh38, 1-based): chr1:5,904,764, C>T on the plus strand (G>A on the coding strand, the complement: NPHP4 is on the minus strand). VCF-style: chr1-5904764-C-T. GRCh37 (hg19) VCF-style: chr1-5964824-C-T.
Other names: c.457G>A, p.Val153Met (NM_001291593.2); c.460G>A, p.Val154Met (NM_001291594.2); short protein forms V153M, V154M, V666M.
Identifiers: ClinVar variation 1038070 (VCV001038070.6), dbSNP rs372909916, ClinGen allele CA554304.
Genomic context (GRCh38, chr1:5,904,764, plus strand): 5'-CCAGCTGCAGTCGTGGCGTCGTTGCGGGTGGGAAGCGGTAGAACTGGAAGGTGAAATACA[C>T]AGTCTTTGGCCATGATGTTCCTCGGCAGTCCTGGGCCACTCTGAATCCAACAACAGCTCT-3'
Protein context (NP_055917.1, residues 656-676): DCRGTSWPKT[Val666Met]YFTFQFYRFP

ClinVar aggregate classification (germline): Uncertain significance (1 of 4 stars; one submission).

Conditions:
Nephronophthisis. Also called: Juvenile Nephronophthisis. Identifiers: Orphanet 655, MedGen C0687120, MONDO:0019005, HP:0000090.

Allele frequency attached by ClinVar (database versions not stated): TOPMed 0.00001; gnomAD exomes 0.00002.
gnomAD v4.1: 8 of 1,613,900 alleles (0.0005%); highest among the groups gnomAD compares: Admixed American, 0.0067%; no homozygotes.

Submission:

Labcorp Genetics (formerly Invitae), Labcorp
Classification: Uncertain significance for Nephronophthisis. Last evaluated: 2022-10-04. Review status: criteria provided, single submitter. Criteria: Invitae Variant Classification Sherloc (09022015). Collection method: clinical testing. Allele origin: germline.
Comment: This sequence change replaces valine, which is neutral and non-polar, with methionine, which is neutral and non-polar, at codon 666 of the NPHP4 protein (p.Val666Met). This variant is present in population databases (rs372909916, gnomAD 0.009%). This variant has not been reported in the literature in individuals affected with NPHP4-related conditions. ClinVar contains an entry for this variant (Variation ID: 1038070). Advanced modeling of protein sequence and biophysical properties (such as structural, functional, and spatial information, amino acid conservation, physicochemical variation, residue mobility, and thermodynamic stability) has been performed at Invitae for this missense variant, however the output from this modeling did not meet the statistical confidence thresholds required to predict the impact of this variant on NPHP4 protein function. In summary, the available evidence is currently insufficient to determine the role of this variant in disease. Therefore, it has been classified as a Variant of Uncertain Significance.